The following is an entry in ClinVar:

ClinVar aggregate classification (germline): Likely benign. Review status: criteria provided, multiple submitters, no conflicts (2 of 4 stars). 4 submissions from 4 submitters: Likely benign (4). Last evaluated 2025-12-06.

Conditions:
Cardiovascular phenotype. Identifiers: MedGen CN230736.
Cardiac arrhythmia. Also called: Arrhythmia; Cardiac rhythm disease. Identifiers: MedGen C0003811, MONDO:0007263, HP:0011675.
Long QT syndrome (LQTS). Identifiers: MedGen C0023976, MeSH D008133, MONDO:0002442. Disease mechanism: loss of function. Inheritance: Various modes of inheritance.

Allele frequency attached by ClinVar (database versions not stated): ExAC 0.00002; gnomAD exomes 0.00002 and 0.00004; TOPMed 0.00002; gnomAD 0.00003.

Submissions (4):

Labcorp Genetics (formerly Invitae), Labcorp
Classification: Likely benign for Long QT syndrome. Last evaluated: 2025-12-06. Review status: criteria provided, single submitter. Criteria: Invitae Variant Classification Sherloc (09022015). Collection method: clinical testing. Allele origin: germline.

All of Us Research Program, National Institutes of Health
Classification: Likely benign for Long QT syndrome. Last evaluated: 2024-01-11. Review status: criteria provided, single submitter. Criteria: ACMG Guidelines, 2015. Collection method: clinical testing. Allele origin: germline. Inheritance: Autosomal dominant inheritance. Observed: 6 variant alleles, 6 heterozygotes.
Comment: This study involves interpretation of variants in research participants for the purpose of population health screening. Participant phenotype was not available at the time of variant classification. Additional details can be found in publication PMID: 35346344, PMCID: PMC8962531

Ambry Genetics
Classification: Likely benign for Cardiovascular phenotype. Last evaluated: 2024-01-01. Review status: criteria provided, single submitter. Criteria: Ambry Variant Classification Scheme 2023. Collection method: clinical testing. Allele origin: germline.

Color Diagnostics, LLC DBA Color Health
Classification: Likely benign for Arrhythmia. Last evaluated: 2020-01-23. Review status: criteria provided, single submitter. Criteria: ACMG Guidelines, 2015. Collection method: clinical testing. Allele origin: germline.

NM_000238.4(KCNH2):c.1749C>T (p.Ile583=)

Gene: KCNH2 (potassium voltage-gated channel subfamily H member 2; minus strand). Cytogenetic location: 7q36.1.
Variant type: single nucleotide variant.
Coding change: c.1749C>T on transcript NM_000238.4 (MANE Select); coding-DNA position 1749, C replaced by T.
Protein change: p.Ile583=; no amino-acid change (isoleucine 583 retained).
Molecular consequence: synonymous variant. On other transcripts: non-coding transcript variant (2).
Genome position (GRCh38, 1-based): chr7:150,951,644, G>A on the plus strand (C>T on the coding strand, the complement: KCNH2 is on the minus strand). VCF-style: chr7-150951644-G-A. GRCh37 (hg19) VCF-style: chr7-150648732-G-A.
Other names: c.729C>T, p.Ile243= (NM_001204798.2, NM_172057.3); c.1461C>T, p.Ile487= (NM_001406753.1, NM_001406756.1); c.1572C>T, p.Ile524= (NM_001406755.1); c.1449C>T, p.Ile483= (NM_001406757.1); c.1749C>T, p.Ile583= (NM_172056.3).
Identifiers: ClinVar variation 696283 (VCV000696283.15), dbSNP rs765893780, ClinGen allele CA029376.